The following is an entry in ClinVar:

NM_183235.3(RAB27A):c.*1013T>C

Gene: RAB27A (RAB27A, member RAS oncogene family; minus strand). Cytogenetic location: 15q21.3.
Variant type: single nucleotide variant.
Coding change: c.*1013T>C on transcript NM_183235.3 (MANE Select); 1013 bases downstream of the stop codon, T replaced by C.
Molecular consequence: 3 prime UTR variant.
Genome position (GRCh38, 1-based): chr15:55,204,494, A>G on the plus strand (T>C on the coding strand, the complement: RAB27A is on the minus strand). VCF-style: chr15-55204494-A-G. GRCh37 (hg19) VCF-style: chr15-55496692-A-G.
Other names: c.*1013T>C (NM_004580.5, NM_183234.3, NM_183236.3).
Identifiers: ClinVar variation 888100 (VCV000888100.4), dbSNP rs190724892, ClinGen allele CA271242019.

ClinVar aggregate classification (germline): Benign (1 of 4 stars; one submission).

Conditions:
Griscelli syndrome type 2 (GS2). Also called: GRISCELLI SYNDROME WITH HEMOPHAGOCYTIC SYNDROME; PAID SYNDROME; PARTIAL ALBINISM AND IMMUNODEFICIENCY SYNDROME. Identifiers: Orphanet 381, Orphanet 79477, MedGen C1868679, MONDO:0011872, OMIM 607624.

Allele frequency attached by ClinVar (database versions not stated): gnomAD 0.00392 and 0.00420; TOPMed 0.00428; 1000 Genomes Project 0.00499; 1000 Genomes Project 30x 0.00531.

Submission:

Illumina Laboratory Services, Illumina
Classification: Benign for Griscelli syndrome type 2. Last evaluated: 2018-01-13. Review status: criteria provided, single submitter. Criteria: ICSL Variant Classification Criteria 13 December 2019. Collection method: clinical testing. Allele origin: germline.
Comment: This variant was observed in the ICSL laboratory as part of a predisposition screen in an ostensibly healthy population. It had not been previously curated by ICSL or reported in the Human Gene Mutation Database (HGMD: prior to June 1st, 2018), and was therefore a candidate for classification through an automated scoring system. Utilizing variant allele frequency, disease prevalence and penetrance estimates, and inheritance mode, an automated score was calculated to assess if this variant is too frequent to cause the disease. Based on the score and internal cut-off values, a variant classified as benign is not then subjected to further curation. The score for this variant resulted in a classification of benign for this disease.